The following is an entry in ClinVar:

ClinVar aggregate classification (germline): Uncertain significance (1 of 4 stars; one submission).

Conditions:
Cystic fibrosis (CF). Also called: MUCOVISCIDOSIS. Identifiers: Orphanet 586, MedGen C0010674, MONDO:0009061, OMIM 219700. Disease mechanism: loss of function.

Submission:

Ambry Genetics
Classification: Uncertain significance for Cystic fibrosis. Last evaluated: 2026-01-11. Review status: criteria provided, single submitter. Criteria: Ambry Variant Classification Scheme 2023. Collection method: clinical testing. Allele origin: germline.
Comment: The p.N1419Y variant (also known as c.4255A>T), located in coding exon 27 of the CFTR gene, results from an A to T substitution at nucleotide position 4255. The asparagine at codon 1419 is replaced by tyrosine, an amino acid with dissimilar properties. This amino acid position is conserved. In addition, the in silico prediction for this alteration is inconclusive. Based on the available evidence, the clinical significance of this variant remains unclear.

NM_000492.4(CFTR):c.4255A>T (p.Asn1419Tyr)

Genes: CFTR (CF transmembrane conductance regulator; plus strand), LOC111674477 (CFTR intron 23 enhancer; plus strand). Cytogenetic location: 7q31.2.
Variant type: single nucleotide variant.
Coding change: c.4255A>T on transcript NM_000492.4 (MANE Select); coding-DNA position 4255, A replaced by T.
Protein change: p.Asn1419Tyr; replaces asparagine 1419 with tyrosine.
Molecular consequence: missense variant.
Genome position (GRCh38, 1-based): chr7:117,666,920, A>T. VCF-style: chr7-117666920-A-T. GRCh37 (hg19) VCF-style: chr7-117306974-A-T.
Other names: short protein forms N1419Y.
Identifiers: ClinVar variation 4843828 (VCV004843828.1).
Genomic context (GRCh38, chr7:117,666,920, plus strand): 5'-GTCTGACCTGCCTTCTGTCCCAGATCTCACTAACAGCCATTTCCCTAGGTCATAGAAGAG[A>T]ACAAAGTGCGGCAGTACGATTCCATCCAGAAACTGCTGAACGAGAGGAGCCTCTTCCGGC-3'
Protein context (NP_000483.3, residues 1409-1429): ECQQFLVIEE[Asn1419Tyr]KVRQYDSIQK